The following is an entry in ClinVar:

ClinVar aggregate classification (germline): Likely benign (0 of 4 stars; one submission).

Conditions:
KATNIP-related disorder. Also called: KATNIP-related condition.

Allele frequency attached by ClinVar (database versions not stated): TOPMed below 0.00001.
gnomAD v4.1: 1 of 1,613,798 alleles (0.000062%); highest among the groups gnomAD compares: Admixed American, 0.0017%; no homozygotes.

Submission:

PreventionGenetics, part of Exact Sciences
Classification: Likely benign for KATNIP-related condition. Last evaluated: 2020-12-16. Review status: no assertion criteria provided. Collection method: clinical testing. Allele origin: germline.
Comment: This variant is classified as likely benign based on ACMG/AMP sequence variant interpretation guidelines (Richards et al. 2015 PMID: 25741868, with internal and published modifications).

NM_015202.5(KATNIP):c.4371C>T (p.Thr1457=)

Gene: KATNIP (katanin interacting protein; plus strand). Cytogenetic location: 16p12.1.
Variant type: single nucleotide variant.
Coding change: c.4371C>T on transcript NM_015202.5 (MANE Select); coding-DNA position 4371, C replaced by T.
Protein change: p.Thr1457=; no amino-acid change (threonine 1457 retained).
Molecular consequence: synonymous variant.
Genome position (GRCh38, 1-based): chr16:27,775,006, C>T. VCF-style: chr16-27775006-C-T. GRCh37 (hg19) VCF-style: chr16-27786327-C-T.
Identifiers: ClinVar variation 3030561 (VCV003030561.2), dbSNP rs896898849, ClinGen allele CA279744996.